The following is an entry in ClinVar:

NM_000271.5(NPC1):c.1143G>C (p.Trp381Cys)

Gene: NPC1 (NPC intracellular cholesterol transporter 1; minus strand). Cytogenetic location: 18q11.2.
Variant type: single nucleotide variant.
Coding change: c.1143G>C on transcript NM_000271.5 (MANE Select); coding-DNA position 1143, G replaced by C.
Protein change: p.Trp381Cys; replaces tryptophan 381 with cysteine.
Molecular consequence: missense variant.
Genome position (GRCh38, 1-based): chr18:23,556,426, C>G on the plus strand (G>C on the coding strand, the complement: NPC1 is on the minus strand). VCF-style: chr18-23556426-C-G. GRCh37 (hg19) VCF-style: chr18-21136390-C-G.
Other names: short protein forms W381C.
Identifiers: ClinVar variation 5003216 (VCV005003216.1).

ClinVar aggregate classification (germline): Uncertain significance (1 of 4 stars; one submission).

Conditions:
Niemann-Pick disease, type C1. Also called: NEUROVISCERAL STORAGE DISEASE WITH VERTICAL SUPRANUCLEAR OPHTHALMOPLEGIA; NIEMANN-PICK DISEASE WITH CHOLESTEROL ESTERIFICATION BLOCK; NIEMANN-PICK DISEASE WITHOUT SPHINGOMYELINASE DEFICIENCY; NIEMANN-PICK DISEASE, CHRONIC NEURONOPATHIC FORM; NIEMANN-PICK DISEASE, VARIANT TYPE C1. Identifiers: Orphanet 646, MedGen C3179455, MONDO:0009757, OMIM 257220.

Submission:

Myriad Genetics, Inc.
Classification: Uncertain significance for Niemann-Pick disease, type C1. Last evaluated: 2025-10-20. Review status: criteria provided, single submitter. Criteria: Myriad Autosomal Dominant, Autosomal Recessive and X-Linked Classification Criteria (2023). Collection method: clinical testing. Allele origin: unknown.
Comment: NM_000271.4(NPC1):c.1143G>C(W381C) is a missense variant classified as a variant of uncertain significance in the context of Niemann-Pick disease type C1. W381C has been observed in cases with relevant disease (PMID: 12408188, 23433426). Relevant functional assessments of this variant are not available in the literature. W381C has not been observed in referenced population frequency databases. In summary, there is insufficient evidence to classify NM_000271.4(NPC1):c.1143G>C(W381C) as pathogenic or benign. Please note: this variant was assessed in the context of healthy population screening.

Literature cited by the submitters: PubMed 12408188; PubMed 23433426.